The following is an entry in ClinVar:

NM_004820.5(CYP7B1):c.392A>G (p.Asn131Ser)

Gene: CYP7B1 (cytochrome P450 family 7 subfamily B member 1; minus strand). Cytogenetic location: 8q12.3.
Variant type: single nucleotide variant.
Coding change: c.392A>G on transcript NM_004820.5 (MANE Select); coding-DNA position 392, A replaced by G.
Protein change: p.Asn131Ser; replaces asparagine 131 with serine.
Molecular consequence: missense variant.
Genome position (GRCh38, 1-based): chr8:64,616,149, T>C on the plus strand (A>G on the coding strand, the complement: CYP7B1 is on the minus strand). VCF-style: chr8-64616149-T-C. GRCh37 (hg19) VCF-style: chr8-65528706-T-C.
Other names: c.392A>G, p.Asn131Ser (NM_001324112.2); c.392A>G (NM_004820.3); short protein forms N131S.
Identifiers: ClinVar variation 3048726 (VCV003048726.3), dbSNP rs780544242, ClinGen allele CA4764219.

ClinVar aggregate classification (germline): Uncertain significance. Review status: criteria provided, single submitter (1 of 4 stars). 2 submissions from 2 submitters: Uncertain significance (1). 1 of the submissions does not count toward it. Last evaluated 2025-08-07.

Conditions:
CYP7B1-related disorder. Also called: CYP7B1-related condition.
Inborn genetic diseases. Identifiers: MedGen C0950123, MeSH D030342.

Allele frequency attached by ClinVar (database versions not stated): ExAC 0.00001.
gnomAD v4.1: 8 of 1,613,498 alleles (0.0005%); highest among the groups gnomAD compares: Non-Finnish European, 0.00068%; no homozygotes.

Submissions (2):

Ambry Genetics
Classification: Uncertain significance for Inborn genetic diseases. Last evaluated: 2025-08-07. Review status: criteria provided, single submitter. Criteria: Ambry Variant Classification Scheme 2023. Collection method: clinical testing. Allele origin: germline.

PreventionGenetics, part of Exact Sciences
Classification: Uncertain significance for CYP7B1-related condition. Last evaluated: 2023-10-20. Review status: no assertion criteria provided. Collection method: clinical testing. Allele origin: germline. Not counted in ClinVar's aggregate classification.
Comment: The CYP7B1 c.392A>G variant is predicted to result in the amino acid substitution p.Asn131Ser. To our knowledge, this variant has not been reported in the literature. This variant is reported in 0.00088% of alleles in individuals of European (Non-Finnish) descent in gnomAD. At this time, the clinical significance of this variant is uncertain due to the absence of conclusive functional and genetic evidence.